The following is an entry in ClinVar:

NM_000051.4(ATM):c.3124del (p.Ala1041_Leu1042insTer)

Gene: ATM (ATM serine/threonine kinase; plus strand). Cytogenetic location: 11q22.3.
Variant type: Deletion.
Coding change: c.3124del on transcript NM_000051.4 (MANE Select); coding-DNA position 3124, one base deleted (C; older notation c.3124delC).
Protein change: p.Ala1041_Leu1042insTer.
Molecular consequence: nonsense.
Genome position (GRCh38, 1-based): chr11:108,272,578, C deleted; the last of 3 consecutive C bases (chr11:108,272,576-108,272,578); deleting any one gives the same sequence. VCF-style (leftmost placement, unchanged base first): chr11-108272575-GC-G. GRCh37 (hg19) VCF-style: chr11-108143302-GC-G.
Other names: c.3124del, p.Ala1041_Leu1042insTer (NM_001351834.2).
Identifiers: ClinVar variation 2706004 (VCV002706004.3), dbSNP rs2497713440, ClinGen allele CA2697558824.
Genomic context (GRCh38, chr11:108,272,575, plus strand): 5'-AACTTACTTGATTTCAGGCATCTAACAAAGGAGAGGAAATATATATTCTCTGTAAGAATG[GC>G]CCTAGTAAATTGCCTTAAAACTTTGCTTGAGGTGAGTTTTTGCATTTTTTTAGTAAGATC-3'

ClinVar aggregate classification (germline): Pathogenic (1 of 4 stars; one submission).

Conditions:
Ataxia-telangiectasia syndrome (AT). Also called: ATAXIA-TELANGIECTASIA, COMPLEMENTATION GROUP A; ATAXIA-TELANGIECTASIA, FRESNO VARIANT; Ataxia-telangiectasia, complementation group D; LOUIS-BAR SYNDROME; AT, COMPLEMENTATION GROUP C; Ataxia-telangiectasia. Identifiers: Orphanet 100, MedGen C0004135, MONDO:0008840, OMIM 208900.

Submission:

Labcorp Genetics (formerly Invitae), Labcorp
Classification: Pathogenic for Ataxia-telangiectasia syndrome. Last evaluated: 2024-01-26. Review status: criteria provided, single submitter. Criteria: Invitae Variant Classification Sherloc (09022015). Collection method: clinical testing. Allele origin: germline.
Comment: This sequence change creates a premature translational stop signal (p.Leu1042*) in the ATM gene. It is expected to result in an absent or disrupted protein product. Loss-of-function variants in ATM are known to be pathogenic (PMID: 23807571, 25614872). This variant is not present in population databases (gnomAD no frequency). This variant has not been reported in the literature in individuals affected with ATM-related conditions. For these reasons, this variant has been classified as Pathogenic.

Literature cited by the submitters: PubMed 23807571; PubMed 25614872.